The following is an entry in ClinVar:

ClinVar aggregate classification (germline): Uncertain significance (1 of 4 stars; one submission).

gnomAD v4.1: 10 of 1,613,724 alleles (0.00062%); highest among the groups gnomAD compares: East Asian, 0.02%; no homozygotes.

Submission:

Women's Health and Genetics/Laboratory Corporation of America, LabCorp
Classification: Uncertain significance. Last evaluated: 2025-12-01. Review status: criteria provided, single submitter. Criteria: LabCorp Variant Classification Summary - May 2015. Collection method: clinical testing. Allele origin: germline.
Comment: Variant summary: ZNF462 c.3488C>T (p.Pro1163Leu) results in a non-conservative amino acid change in the encoded protein sequence. Algorithms developed to predict the effect of missense changes on protein structure and function are either unavailable or do not agree on the potential impact of this missense change. The variant allele was found at a frequency of 2e-05 in 250544 control chromosomes. The available data on variant occurrences in the general population are insufficient to allow any conclusion about variant significance. To our knowledge, no occurrence of c.3488C>T in individuals affected with ZNF462-related conditions and no experimental evidence demonstrating its impact on protein function have been reported. No submitters have cited clinical-significance assessments for this variant to ClinVar. Based on the evidence outlined above, the variant was classified as uncertain significance.

NM_021224.6(ZNF462):c.3488C>T (p.Pro1163Leu)

Gene: ZNF462 (zinc finger protein 462; plus strand). Cytogenetic location: 9q31.2.
Variant type: single nucleotide variant.
Coding change: c.3488C>T on transcript NM_021224.6 (MANE Select); coding-DNA position 3488, C replaced by T.
Protein change: p.Pro1163Leu; replaces proline 1163 with leucine.
Molecular consequence: missense variant. On other transcripts: intron variant (1).
Genome position (GRCh38, 1-based): chr9:106,927,400, C>T. VCF-style: chr9-106927400-C-T. GRCh37 (hg19) VCF-style: chr9-109689681-C-T.
Other names: c.3252+236C>T (NM_001347997.2); short protein forms P1163L.
Identifiers: ClinVar variation 4688711 (VCV004688711.1).